The following is an entry in ClinVar:

ClinVar aggregate classification (germline): Uncertain significance (1 of 4 stars; one submission).

Conditions:
Hereditary cancer-predisposing syndrome. Also called: Neoplastic Syndromes, Hereditary; Hereditary Cancer Syndrome; Tumor predisposition; Hereditary neoplastic syndrome. Identifiers: Orphanet 140162, MedGen C0027672, MeSH D009386, MONDO:0015356.

Submission:

Ambry Genetics
Classification: Uncertain significance for Hereditary cancer-predisposing syndrome. Last evaluated: 2025-02-06. Review status: criteria provided, single submitter. Criteria: Ambry Variant Classification Scheme 2023. Collection method: clinical testing. Allele origin: germline.
Comment: The p.D1853E variant (also known as c.5559T>G), located in coding exon 36 of the ATM gene, results from a T to G substitution at nucleotide position 5559. The aspartic acid at codon 1853 is replaced by glutamic acid, an amino acid with highly similar properties. This amino acid position is conserved. In addition, the in silico prediction for this alteration is inconclusive. Based on the available evidence, the clinical significance of this variant remains unclear.

NM_000051.4(ATM):c.5559T>G (p.Asp1853Glu)

Gene: ATM (ATM serine/threonine kinase; plus strand). Cytogenetic location: 11q22.3.
Variant type: single nucleotide variant.
Coding change: c.5559T>G on transcript NM_000051.4 (MANE Select); coding-DNA position 5559, T replaced by G.
Protein change: p.Asp1853Glu; replaces aspartic acid 1853 with glutamic acid.
Molecular consequence: missense variant.
Genome position (GRCh38, 1-based): chr11:108,304,737, T>G. VCF-style: chr11-108304737-T-G. GRCh37 (hg19) VCF-style: chr11-108175464-T-G.
Other names: c.5559T>G, p.Asp1853Glu (NM_001351834.2); short protein forms D1853E.
Identifiers: ClinVar variation 3802506 (VCV003802506.1).